The following is an entry in ClinVar:

ClinVar aggregate classification (germline): Uncertain significance (1 of 4 stars; one submission).

Allele frequency attached by ClinVar (database versions not stated): gnomAD exomes below 0.00001.
gnomAD v4.1: 1 of 1,614,098 alleles (0.000062%); highest among the groups gnomAD compares: Non-Finnish European, 0.000085%; no homozygotes.

Submission:

GeneDx
Classification: Uncertain significance. Last evaluated: 2023-03-28. Review status: criteria provided, single submitter. Criteria: GeneDx Variant Classification Process June 2021. Collection method: clinical testing. Allele origin: germline. Affected: yes.
Comment: Not observed at significant frequency in large population cohorts (gnomAD); In silico analysis supports that this missense variant does not alter protein structure/function; Has not been previously published as pathogenic or benign to our knowledge

NM_145038.5(DRC1):c.1349C>T (p.Pro450Leu)

Gene: DRC1 (dynein regulatory complex subunit 1; plus strand). Cytogenetic location: 2p23.3.
Variant type: single nucleotide variant.
Coding change: c.1349C>T on transcript NM_145038.5 (MANE Select); coding-DNA position 1349, C replaced by T.
Protein change: p.Pro450Leu; replaces proline 450 with leucine.
Molecular consequence: missense variant.
Genome position (GRCh38, 1-based): chr2:26,444,901, C>T. VCF-style: chr2-26444901-C-T. GRCh37 (hg19) VCF-style: chr2-26667769-C-T.
Other names: short protein forms P450L.
Identifiers: ClinVar variation 2582075 (VCV002582075.1), dbSNP rs756473853, ClinGen allele CA44399408.